The following is an entry in ClinVar:

NM_058216.3(RAD51C):c.998A>G (p.Lys333Arg)

Gene: RAD51C (RAD51 paralog C; plus strand). Cytogenetic location: 17q22.
Variant type: single nucleotide variant.
Coding change: c.998A>G on transcript NM_058216.3 (MANE Select); coding-DNA position 998, A replaced by G.
Protein change: p.Lys333Arg; replaces lysine 333 with arginine.
Molecular consequence: missense variant. On other transcripts: non-coding transcript variant (1).
Genome position (GRCh38, 1-based): chr17:58,732,516, A>G. VCF-style: chr17-58732516-A-G. GRCh37 (hg19) VCF-style: chr17-56809877-A-G.
Other names: c.*426A>G (NM_058217.1); short protein forms K333R.
Identifiers: ClinVar variation 1768811 (VCV001768811.2), dbSNP rs2509364180, ClinGen allele CA400365013.
Genomic context (GRCh38, chr17:58,732,516, plus strand): 5'-TATGTATTTATTCTTTTTCTTTAAGCAGGTTGGCAACATTGTACAAGTCACCCAGCCAGA[A>G]GGAATGCACAGTACTGTTTCAAATCAAAGTCAGTATTATTTGATTAGAGTGGGATTTTGA-3'
Protein context (NP_478123.1, residues 323-343): LATLYKSPSQ[Lys333Arg]ECTVLFQIKP

ClinVar aggregate classification (germline): Uncertain significance (1 of 4 stars; one submission).

Conditions:
Hereditary cancer-predisposing syndrome. Also called: Hereditary Cancer Syndrome; Hereditary neoplastic syndrome; Neoplastic Syndromes, Hereditary; Tumor predisposition. Identifiers: Orphanet 140162, MedGen C0027672, MeSH D009386, MONDO:0015356.

Submission:

Ambry Genetics
Classification: Uncertain significance for Hereditary cancer-predisposing syndrome. Last evaluated: 2021-06-15. Review status: criteria provided, single submitter. Criteria: Ambry Variant Classification Scheme 2023. Collection method: clinical testing. Allele origin: germline.
Comment: The p.K333R variant (also known as c.998A>G), located in coding exon 8 of the RAD51C gene, results from an A to G substitution at nucleotide position 998. The lysine at codon 333 is replaced by arginine, an amino acid with highly similar properties. This amino acid position is highly conserved in available vertebrate species. In addition, this alteration is predicted to be tolerated by in silico analysis. Since supporting evidence is limited at this time, the clinical significance of this alteration remains unclear.